The following is an entry in ClinVar:

NM_021815.5(SLC5A7):c.457A>G (p.Ile153Val)

Gene: SLC5A7 (solute carrier family 5 member 7; plus strand). Cytogenetic location: 2q12.3.
Variant type: single nucleotide variant.
Coding change: c.457A>G on transcript NM_021815.5 (MANE Select); coding-DNA position 457, A replaced by G.
Protein change: p.Ile153Val; replaces isoleucine 153 with valine.
Molecular consequence: missense variant. On other transcripts: 5 prime UTR variant (1).
Genome position (GRCh38, 1-based): chr2:107,997,846, A>G. VCF-style: chr2-107997846-A-G. GRCh37 (hg19) VCF-style: chr2-108614302-A-G.
Other names: c.457A>G, p.Ile153Val (NM_001305005.3); c.142A>G, p.Ile48Val (NM_001305006.3); c.-248A>G (NM_001305007.3); short protein forms I48V, I153V.
Identifiers: ClinVar variation 4794419 (VCV004794419.1).

ClinVar aggregate classification (germline): Uncertain significance (1 of 4 stars; one submission).

Conditions:
Neuronopathy, distal hereditary motor, type 7A. Also called: Neuronopathy, distal hereditary motor, type viia; NEURONOPATHY, DISTAL HEREDITARY MOTOR, HARDING TYPE VIIA; NEUROPATHY, DISTAL HEREDITARY MOTOR, HARDING TYPE VIIA; Neuronopathy, distal hereditary motor, autosomal dominant 7; HARPER-YOUNG MYOPATHY; HMN VIIA. Identifiers: Orphanet 139589, MedGen C1834703, MONDO:0008024, OMIM 158580.
Congenital myasthenic syndrome 20. Also called: Myasthenic syndrome, congenital, 20, presynaptic. Identifiers: MedGen C4310694, MONDO:0014939, OMIM 617143.

gnomAD v4.1: 1 of 1,609,024 alleles (0.000062%); highest among the groups gnomAD compares: Non-Finnish European, 0.000085%; no homozygotes.

Submission:

Labcorp Genetics (formerly Invitae), Labcorp
Classification: Uncertain significance for Neuronopathy, distal hereditary motor, type 7A; Congenital myasthenic syndrome 20. Last evaluated: 2025-02-06. Review status: criteria provided, single submitter. Criteria: Invitae Variant Classification Sherloc (09022015). Collection method: clinical testing. Allele origin: germline.
Comment: This sequence change replaces isoleucine, which is neutral and non-polar, with valine, which is neutral and non-polar, at codon 153 of the SLC5A7 protein (p.Ile153Val). This variant is not present in population databases (gnomAD no frequency). This variant has not been reported in the literature in individuals affected with SLC5A7-related conditions. Invitae Evidence Modeling of protein sequence and biophysical properties (such as structural, functional, and spatial information, amino acid conservation, physicochemical variation, residue mobility, and thermodynamic stability) indicates that this missense variant is not expected to disrupt SLC5A7 protein function with a negative predictive value of 80%. In summary, the available evidence is currently insufficient to determine the role of this variant in disease. Therefore, it has been classified as a Variant of Uncertain Significance.